The following is an entry in ClinVar:

NM_030777.4(SLC2A10):c.1546C>T (p.Arg516Trp)

Gene: SLC2A10 (solute carrier family 2 member 10; plus strand). Cytogenetic location: 20q13.12.
Variant type: single nucleotide variant.
Coding change: c.1546C>T on transcript NM_030777.4 (MANE Select); coding-DNA position 1546, C replaced by T.
Protein change: p.Arg516Trp; replaces arginine 516 with tryptophan.
Molecular consequence: missense variant.
Genome position (GRCh38, 1-based): chr20:46,729,487, C>T. VCF-style: chr20-46729487-C-T. GRCh37 (hg19) VCF-style: chr20-45358126-C-T.
Other names: short protein forms R516W.
Identifiers: ClinVar variation 1774936 (VCV001774936.4), dbSNP rs774991993, ClinGen allele CA9892239.

ClinVar aggregate classification (germline): Uncertain significance (1 of 4 stars; one submission).

Conditions:
Familial thoracic aortic aneurysm and aortic dissection (TAAD). Also called: Thoracic aortic aneurysms and dissections. Identifiers: Orphanet 91387, MedGen C4707243, MONDO:0019625.

Allele frequency attached by ClinVar (database versions not stated): TOPMed below 0.00001; ExAC 0.00002.
gnomAD v4.1: 11 of 1,613,872 alleles (0.00068%); highest among the groups gnomAD compares: South Asian, 0.0033%; no homozygotes.

Submission:

Ambry Genetics
Classification: Uncertain significance for Familial thoracic aortic aneurysm and aortic dissection. Last evaluated: 2025-10-26. Review status: criteria provided, single submitter. Criteria: Ambry Variant Classification Scheme 2023. Collection method: clinical testing. Allele origin: germline.
Comment: The p.R516W variant (also known as c.1546C>T), located in coding exon 4 of the SLC2A10 gene, results from a C to T substitution at nucleotide position 1546. The arginine at codon 516 is replaced by tryptophan, an amino acid with dissimilar properties. This amino acid position is well conserved in available vertebrate species; however, tryptophan is the reference amino acid in other vertebrate species. In addition, this alteration is predicted to be tolerated by in silico analysis. Since supporting evidence is limited at this time, the clinical significance of this alteration remains unclear.